The following is an entry in ClinVar:

NM_170606.3(KMT2C):c.2363C>T (p.Ser788Phe)

Gene: KMT2C (lysine methyltransferase 2C; minus strand). Cytogenetic location: 7q36.1.
Variant type: single nucleotide variant.
Coding change: c.2363C>T on transcript NM_170606.3 (MANE Select); coding-DNA position 2363, C replaced by T.
Protein change: p.Ser788Phe; replaces serine 788 with phenylalanine.
Molecular consequence: missense variant.
Genome position (GRCh38, 1-based): chr7:152,248,071, G>A on the plus strand (C>T on the coding strand, the complement: KMT2C is on the minus strand). VCF-style: chr7-152248071-G-A. GRCh37 (hg19) VCF-style: chr7-151945156-G-A.
Other names: short protein forms S788F.
Identifiers: ClinVar variation 4689140 (VCV004689140.1).

ClinVar aggregate classification (germline): Uncertain significance (1 of 4 stars; one submission).

Submission:

Women's Health and Genetics/Laboratory Corporation of America, LabCorp
Classification: Uncertain significance. Last evaluated: 2026-01-28. Review status: criteria provided, single submitter. Criteria: LabCorp Variant Classification Summary - May 2015. Collection method: clinical testing. Allele origin: germline.
Comment: Variant summary: KMT2C c.2363C>T (p.Ser788Phe) results in a non-conservative amino acid change in the encoded protein sequence. Algorithms developed to predict the effect of missense changes on protein structure and function are either unavailable or do not agree on the potential impact of this missense change. The frequency data for this variant in gnomAD is considered unreliable, as metrics indicate poor data quality at this position. To our knowledge, no occurrence of c.2363C>T in individuals affected with KMT2C-related conditions and no experimental evidence demonstrating its impact on protein function have been reported. No submitters have cited clinical-significance assessments for this variant to ClinVar. Based on the evidence outlined above, the variant was classified as uncertain significance.